The following is an entry in ClinVar:

ClinVar aggregate classification (germline): Uncertain significance (1 of 4 stars; one submission).

Conditions:
Glycogen storage disease, type VI (GSD6). Also called: Glycogen storage disease type 6; Hepatic glycogen phosphorylase deficiency; HERS DISEASE; PHOSPHORYLASE DEFICIENCY GLYCOGEN-STORAGE DISEASE OF LIVER; Glycogen storage disease type 6, due to phosphorylation; GSD VI. Identifiers: Orphanet 369, MedGen C0017925, MONDO:0009294, OMIM 232700.

Submission:

Labcorp Genetics (formerly Invitae), Labcorp
Classification: Uncertain significance for Glycogen storage disease, type VI. Last evaluated: 2018-09-19. Review status: criteria provided, single submitter. Criteria: Invitae Variant Classification Sherloc (09022015). Collection method: clinical testing. Allele origin: germline.
Comment: In summary, the available evidence is currently insufficient to determine the role of this variant in disease. Therefore, it has been classified as a Variant of Uncertain Significance. Algorithms developed to predict the effect of missense changes on protein structure and function (SIFT, PolyPhen-2, Align-GVGD) all suggest that this variant is likely to be disruptive, but these predictions have not been confirmed by published functional studies and their clinical significance is uncertain. This variant has not been reported in the literature in individuals with PYGL-related disease. This variant is not present in population databases (ExAC no frequency). This sequence change replaces threonine with isoleucine at codon 150 of the PYGL protein (p.Thr150Ile). The threonine residue is highly conserved and there is a moderate physicochemical difference between threonine and isoleucine.

NM_002863.5(PYGL):c.449C>T (p.Thr150Ile)

Gene: PYGL (glycogen phosphorylase L; minus strand). Cytogenetic location: 14q22.1.
Variant type: single nucleotide variant.
Coding change: c.449C>T on transcript NM_002863.5 (MANE Select); coding-DNA position 449, C replaced by T.
Protein change: p.Thr150Ile; replaces threonine 150 with isoleucine.
Molecular consequence: missense variant.
Genome position (GRCh38, 1-based): chr14:50,931,752, G>A on the plus strand (C>T on the coding strand, the complement: PYGL is on the minus strand). VCF-style: chr14-50931752-G-A. GRCh37 (hg19) VCF-style: chr14-51398470-G-A.
Other names: c.347C>T, p.Thr116Ile (NM_001163940.2); short protein forms T116I, T150I.
Identifiers: ClinVar variation 654808 (VCV000654808.8), dbSNP rs1596047964, ClinGen allele CA389695815.